The following is an entry in ClinVar:

ClinVar aggregate classification (germline): Uncertain significance (1 of 4 stars; one submission).

Submission:

GeneDx
Classification: Uncertain significance. Last evaluated: 2025-02-05. Review status: criteria provided, single submitter. Criteria: GeneDx Variant Classification Process June 2021. Collection method: clinical testing. Allele origin: germline. Affected: yes.
Comment: Not observed at significant frequency in large population cohorts (gnomAD); In silico analysis supports that this missense variant has a deleterious effect on protein structure/function; Has not been previously published as pathogenic or benign to our knowledge

NM_001037333.3(CYFIP2):c.1655G>A (p.Gly552Glu)

Gene: CYFIP2 (cytoplasmic FMR1 interacting protein 2; plus strand). Cytogenetic location: 5q33.3.
Variant type: single nucleotide variant.
Coding change: c.1655G>A on transcript NM_001037333.3 (MANE Select); coding-DNA position 1655, G replaced by A.
Protein change: p.Gly552Glu; replaces glycine 552 with glutamic acid.
Molecular consequence: missense variant.
Genome position (GRCh38, 1-based): chr5:157,320,786, G>A. VCF-style: chr5-157320786-G-A. GRCh37 (hg19) VCF-style: chr5-156747794-G-A.
Other names: c.1577G>A, p.Gly526Glu (NM_001291721.2); c.1655G>A, p.Gly552Glu (NM_001291722.2, NM_014376.4); short protein forms G526E, G552E.
Identifiers: ClinVar variation 4074555 (VCV004074555.1).
Genomic context (GRCh38, chr5:157,320,786, plus strand): 5'-TGAGAGGGGAGAAGGACCCCAAAGGTGGATTTGATATCAAGGTGCCCCGGCGTGCTGTGG[G>A]GCCATCCAGCACACAGGTAAGCGGCTCCAGGCACAGGCCAGCTGCGTTGACTCAGAGGCC-3'
Protein context (NP_001032410.1, residues 542-562): FDIKVPRRAV[Gly552Glu]PSSTQLYMVR